The following is an entry in ClinVar:

ClinVar aggregate classification (germline): Conflicting classifications of pathogenicity. Review status: criteria provided, conflicting classifications (1 of 4 stars). 3 submissions from 3 submitters: Uncertain significance (2); Likely benign (1). Last evaluated 2025-04-20.

Conditions:
Inborn genetic diseases. Identifiers: MedGen C0950123, MeSH D030342.

Allele frequency attached by ClinVar (database versions not stated): gnomAD exomes below 0.00001; ExAC 0.00001; gnomAD 0.00001; TOPMed 0.00010.
gnomAD v4.1: 5 of 1,613,692 alleles (0.00031%); highest among the groups gnomAD compares: Admixed American, 0.005%; no homozygotes.

Submissions (3):

Labcorp Genetics (formerly Invitae), Labcorp
Classification: Likely benign. Last evaluated: 2025-04-20. Review status: criteria provided, single submitter. Criteria: Invitae Variant Classification Sherloc (09022015). Collection method: clinical testing. Allele origin: germline.

Ambry Genetics
Classification: Uncertain significance for Inborn genetic diseases. Last evaluated: 2023-10-30. Review status: criteria provided, single submitter. Criteria: Ambry Variant Classification Scheme 2023. Collection method: clinical testing. Allele origin: germline.

Laboratorio de Genetica e Diagnostico Molecular, Hospital Israelita Albert Einstein
Classification: Uncertain significance. Last evaluated: 2020-11-06. Review status: criteria provided, single submitter. Criteria: ACMG Guidelines, 2015. Collection method: clinical testing. Allele origin: germline. Affected: yes.
Comment: ACMG classification criteria: PM2, BP4

NM_000094.4(COL7A1):c.2016G>C (p.Glu672Asp)

Gene: COL7A1 (collagen type VII alpha 1 chain; minus strand). Cytogenetic location: 3p21.31.
Variant type: single nucleotide variant.
Coding change: c.2016G>C on transcript NM_000094.4 (MANE Select); coding-DNA position 2016, G replaced by C.
Protein change: p.Glu672Asp; replaces glutamic acid 672 with aspartic acid.
Molecular consequence: missense variant.
Genome position (GRCh38, 1-based): chr3:48,590,247, C>G on the plus strand (G>C on the coding strand, the complement: COL7A1 is on the minus strand). VCF-style: chr3-48590247-C-G. GRCh37 (hg19) VCF-style: chr3-48627680-C-G.
Other names: c.2016G>C (NM_000094.3); short protein forms E672D.
Identifiers: ClinVar variation 1419487 (VCV001419487.11), dbSNP rs754341326, ClinGen allele CA2381035.